The following is an entry in ClinVar:

NM_001283009.2(RTEL1):c.1800+4G>A

Genes: RTEL1 (regulator of telomere elongation helicase 1; plus strand), RTEL1-TNFRSF6B (RTEL1-TNFRSF6B readthrough (NMD candidate); plus strand). Cytogenetic location: 20q13.33.
Variant type: single nucleotide variant.
Coding change: c.1800+4G>A on transcript NM_001283009.2 (MANE Select); 4 bases into the intron after coding-DNA position 1800, G replaced by A.
Molecular consequence: intron variant.
Genome position (GRCh38, 1-based): chr20:63,688,609, G>A. VCF-style: chr20-63688609-G-A. GRCh37 (hg19) VCF-style: chr20-62319962-G-A.
Other names: c.1131+4G>A (NM_001283010.1); c.1872+4G>A (NM_032957.5); c.1800+4G>A (NM_016434.4).
Identifiers: ClinVar variation 972165 (VCV000972165.6), dbSNP rs370973086, ClinGen allele CA9964979.

ClinVar aggregate classification (germline): Uncertain significance. Review status: criteria provided, single submitter (1 of 4 stars). 2 submissions from 2 submitters: Uncertain significance (1). 1 of the submissions does not count toward it. Last evaluated 2025-08-11.

Conditions:
Pulmonary fibrosis and/or bone marrow failure, Telomere-related, 3. Also called: PULMONARY FIBROSIS AND/OR BONE MARROW FAILURE SYNDROME, TELOMERE-RELATED, 3. Identifiers: Orphanet 2032, MedGen C4225346, MONDO:0014613, OMIM 616373.
Dyskeratosis congenita, autosomal recessive 5 (DKCB5). Identifiers: MedGen C3554656, MONDO:0014076, OMIM 615190.
Dyskeratosis congenita. Identifiers: Orphanet 1775, MedGen C0265965, MONDO:0015780.

Allele frequency attached by ClinVar (database versions not stated): gnomAD 0.00003 and 0.00004; TOPMed 0.00003; ExAC 0.00005; gnomAD exomes 0.00005; ESP Exome Variant Server 0.00008.
gnomAD v4.1: 44 of 1,603,448 alleles (0.0027%); highest among the groups gnomAD compares: Middle Eastern, 0.017%; no homozygotes.

Submissions (2):

Labcorp Genetics (formerly Invitae), Labcorp
Classification: Uncertain significance for Dyskeratosis congenita, autosomal recessive 5; Pulmonary fibrosis and/or bone marrow failure, Telomere-related, 3. Last evaluated: 2025-08-11. Review status: criteria provided, single submitter. Criteria: Invitae Variant Classification Sherloc (09022015). Collection method: clinical testing. Allele origin: germline.
Comment: This sequence change falls in intron 21 of the RTEL1 gene. It does not directly change the encoded amino acid sequence of the RTEL1 protein. It affects a nucleotide within the consensus splice site. This variant is present in population databases (rs370973086, gnomAD 0.08%). This variant has not been reported in the literature in individuals affected with RTEL1-related conditions. ClinVar contains an entry for this variant (Variation ID: 972165). Variants that disrupt the consensus splice site are a relatively common cause of aberrant splicing (PMID: 17576681, 9536098). Algorithms developed to predict the effect of sequence changes on RNA splicing suggest that this variant is not likely to affect RNA splicing. In summary, the available evidence is currently insufficient to determine the role of this variant in disease. Therefore, it has been classified as a Variant of Uncertain Significance.

Natera, Inc.
Classification: Uncertain significance for Dyskeratosis congenita. Last evaluated: 2021-02-24. Review status: no assertion criteria provided. Collection method: clinical testing. Allele origin: germline. Not counted in ClinVar's aggregate classification.

Literature cited by the submitters: PubMed 17576681 (cited by Labcorp Genetics (formerly Invitae), Labcorp); PubMed 9536098 (cited by Labcorp Genetics (formerly Invitae), Labcorp).